The following is an entry in ClinVar:

ClinVar aggregate classification (germline): Uncertain significance (1 of 4 stars; one submission).

Conditions:
Peroxisome biogenesis disorder, complementation group K (CGK). Identifiers: MedGen C1866257, MONDO:0800365.

Allele frequency attached by ClinVar (database versions not stated): gnomAD 0.00001; TOPMed 0.00001; gnomAD exomes 0.00004.

Submission:

Labcorp Genetics (formerly Invitae), Labcorp
Classification: Uncertain significance for Peroxisome biogenesis disorder, complementation group K. Last evaluated: 2022-08-04. Review status: criteria provided, single submitter. Criteria: Invitae Variant Classification Sherloc (09022015). Collection method: clinical testing. Allele origin: germline.
Comment: This sequence change replaces serine, which is neutral and polar, with asparagine, which is neutral and polar, at codon 374 of the PEX14 protein (p.Ser374Asn). This variant is not present in population databases (gnomAD no frequency). This variant has not been reported in the literature in individuals affected with PEX14-related conditions. ClinVar contains an entry for this variant (Variation ID: 1423767). Algorithms developed to predict the effect of missense changes on protein structure and function output the following: SIFT: "Tolerated"; PolyPhen-2: "Benign"; Align-GVGD: "Class C0". The asparagine amino acid residue is found in multiple mammalian species, which suggests that this missense change does not adversely affect protein function. In summary, the available evidence is currently insufficient to determine the role of this variant in disease. Therefore, it has been classified as a Variant of Uncertain Significance.

NM_004565.3(PEX14):c.1121G>A (p.Ser374Asn)

Gene: PEX14 (peroxisomal biogenesis factor 14; plus strand). Cytogenetic location: 1p36.22.
Variant type: single nucleotide variant.
Coding change: c.1121G>A on transcript NM_004565.3 (MANE Select); coding-DNA position 1121, G replaced by A.
Protein change: p.Ser374Asn; replaces serine 374 with asparagine.
Molecular consequence: missense variant.
Genome position (GRCh38, 1-based): chr1:10,629,974, G>A. VCF-style: chr1-10629974-G-A. GRCh37 (hg19) VCF-style: chr1-10690031-G-A.
Other names: short protein forms S374N.
Identifiers: ClinVar variation 1423767 (VCV001423767.5), dbSNP rs1305475145, ClinGen allele CA338340174.